The following is an entry in ClinVar:

NM_001042492.3(NF1):c.1831C>T (p.Leu611Phe)

Gene: NF1 (neurofibromin 1; plus strand). Cytogenetic location: 17q11.2.
Variant type: single nucleotide variant.
Coding change: c.1831C>T on transcript NM_001042492.3 (MANE Select); coding-DNA position 1831, C replaced by T.
Protein change: p.Leu611Phe; replaces leucine 611 with phenylalanine.
Molecular consequence: missense variant.
Genome position (GRCh38, 1-based): chr17:31,223,553, C>T. VCF-style: chr17-31223553-C-T. GRCh37 (hg19) VCF-style: chr17-29550571-C-T.
Other names: c.1831C>T, p.Leu611Phe (NM_000267.4); short protein forms L611F.
Identifiers: ClinVar variation 2114660 (VCV002114660.5), dbSNP rs201064978, ClinGen allele CA8485853.

ClinVar aggregate classification (germline): Uncertain significance. Review status: criteria provided, multiple submitters, no conflicts (2 of 4 stars). 2 submissions from 2 submitters: Uncertain significance (2). Last evaluated 2023-11-15.

Conditions:
Neurofibromatosis, type 1 (NF1). Also called: NEUROFIBROMATOSIS, TYPE I, SOMATIC; Neurofibromatosis, type I; Peripheral type neurofibromatosis; VON RECKLINGHAUSEN DISEASE. Identifiers: Orphanet 636, MedGen C0027831, MONDO:0018975, OMIM 162200. Disease mechanism: loss of function.
Cardiovascular phenotype. Identifiers: MedGen CN230736.
Hereditary cancer-predisposing syndrome. Also called: Tumor predisposition; Hereditary Cancer Syndrome; Neoplastic Syndromes, Hereditary; Hereditary neoplastic syndrome. Identifiers: Orphanet 140162, MedGen C0027672, MeSH D009386, MONDO:0015356.

Allele frequency attached by ClinVar (database versions not stated): ExAC 0.00001; gnomAD 0.00001; 1000 Genomes Project 0.00020; 1000 Genomes Project 30x 0.00031.
gnomAD v4.1: 1 of 1,611,946 alleles (0.000062%); highest among the groups gnomAD compares: African/African-American, 0.0013%; no homozygotes.

Submissions (2):

Ambry Genetics
Classification: Uncertain significance for Cardiovascular phenotype; Hereditary cancer-predisposing syndrome. Last evaluated: 2023-11-15. Review status: criteria provided, single submitter. Criteria: Ambry Variant Classification Scheme 2023. Collection method: clinical testing. Allele origin: germline.
Comment: The p.L611F variant (also known as c.1831C>T), located in coding exon 16 of the NF1 gene, results from a C to T substitution at nucleotide position 1831. The leucine at codon 611 is replaced by phenylalanine, an amino acid with highly similar properties. This amino acid position is highly conserved in available vertebrate species. In addition, the in silico prediction for this alteration is inconclusive. Since supporting evidence is limited at this time, the clinical significance of this alteration remains unclear.

Labcorp Genetics (formerly Invitae), Labcorp
Classification: Uncertain significance for Neurofibromatosis, type 1. Last evaluated: 2022-03-19. Review status: criteria provided, single submitter. Criteria: Invitae Variant Classification Sherloc (09022015). Collection method: clinical testing. Allele origin: germline.
Comment: Algorithms developed to predict the effect of sequence changes on RNA splicing suggest that this variant may disrupt the consensus splice site. Algorithms developed to predict the effect of missense changes on protein structure and function are either unavailable or do not agree on the potential impact of this missense change (SIFT: "Tolerated"; PolyPhen-2: "Probably Damaging"; Align-GVGD: "Class C0"). This variant has not been reported in the literature in individuals affected with NF1-related conditions. This variant is present in population databases (rs201064978, gnomAD 0.007%). This sequence change replaces leucine, which is neutral and non-polar, with phenylalanine, which is neutral and non-polar, at codon 611 of the NF1 protein (p.Leu611Phe). In summary, the available evidence is currently insufficient to determine the role of this variant in disease. Therefore, it has been classified as a Variant of Uncertain Significance.